The following is an entry in ClinVar:

ClinVar aggregate classification (germline): Uncertain significance (1 of 4 stars; one submission).

Conditions:
Tumor predisposition syndrome 3 (TPDS3). Also called: Melanoma, cutaneous malignant, susceptibility to, 10; Glioma susceptibility 9; LONG TELOMERE SYNDROME, POT1-RELATED; POT1 Tumor Predisposition. Identifiers: Orphanet 618, MedGen C4014476, MONDO:0014368, OMIM 615848.

Submission:

Labcorp Genetics (formerly Invitae), Labcorp
Classification: Uncertain significance for Tumor predisposition syndrome 3. Last evaluated: 2022-10-10. Review status: criteria provided, single submitter. Criteria: Invitae Variant Classification Sherloc (09022015). Collection method: clinical testing. Allele origin: germline.
Comment: This variant is not present in population databases (gnomAD no frequency). Advanced modeling of protein sequence and biophysical properties (such as structural, functional, and spatial information, amino acid conservation, physicochemical variation, residue mobility, and thermodynamic stability) performed at Invitae indicates that this missense variant is not expected to disrupt POT1 protein function. This variant has not been reported in the literature in individuals affected with POT1-related conditions. This sequence change replaces arginine, which is basic and polar, with lysine, which is basic and polar, at codon 510 of the POT1 protein (p.Arg510Lys). In summary, the available evidence is currently insufficient to determine the role of this variant in disease. Therefore, it has been classified as a Variant of Uncertain Significance.

NM_015450.3(POT1):c.1529G>A (p.Arg510Lys)

Gene: POT1 (protection of telomeres 1; minus strand). Cytogenetic location: 7q31.33.
Variant type: single nucleotide variant.
Coding change: c.1529G>A on transcript NM_015450.3 (MANE Select); coding-DNA position 1529, G replaced by A.
Protein change: p.Arg510Lys; replaces arginine 510 with lysine.
Molecular consequence: missense variant. On other transcripts: non-coding transcript variant (2).
Genome position (GRCh38, 1-based): chr7:124,829,319, C>T on the plus strand (G>A on the coding strand, the complement: POT1 is on the minus strand). VCF-style: chr7-124829319-C-T. GRCh37 (hg19) VCF-style: chr7-124469373-C-T.
Other names: c.1136G>A, p.Arg379Lys (NM_001042594.2); short protein forms R379K, R510K.
Identifiers: ClinVar variation 1721367 (VCV001721367.6), dbSNP rs1794705171, ClinGen allele CA369064604.